The following is an entry in ClinVar:

ClinVar aggregate classification (germline): Likely benign. Review status: criteria provided, single submitter (1 of 4 stars). 2 submissions from 2 submitters: Likely benign (1). 1 of the submissions does not count toward it. Last evaluated 2024-11-11.

Conditions:
BLTP1-related disorder. Also called: BLTP1-related condition.

Allele frequency attached by ClinVar (database versions not stated): gnomAD exomes 0.00017; ExAC 0.00060; gnomAD 0.00179; 1000 Genomes Project 0.00200; TOPMed 0.00201; 1000 Genomes Project 30x 0.00203; ESP Exome Variant Server 0.00222.
gnomAD v4.1: 536 of 1,613,808 alleles (0.033%); highest among the groups gnomAD compares: African/African-American, 0.62%; 2 homozygotes.

Submissions (2):

Blueprint Genetics
Classification: Likely benign. Last evaluated: 2024-11-11. Review status: criteria provided, single submitter. Criteria: ACMG Guidelines, 2015. Collection method: clinical testing. Allele origin: germline.

PreventionGenetics, part of Exact Sciences
Classification: Likely benign for BLTP1-related condition. Last evaluated: 2019-04-01. Review status: no assertion criteria provided. Collection method: clinical testing. Allele origin: germline. Not counted in ClinVar's aggregate classification.
Comment: This variant is classified as likely benign based on ACMG/AMP sequence variant interpretation guidelines (Richards et al. 2015 PMID: 25741868, with internal and published modifications).

NM_001384125.1(BLTP1):c.6963T>C (p.Ser2321=)

Gene: BLTP1 (bridge-like lipid transfer protein family member 1; plus strand). Cytogenetic location: 4q27.
Variant type: single nucleotide variant.
Coding change: c.6963T>C on transcript NM_001384125.1 (MANE Select); coding-DNA position 6963, T replaced by C.
Protein change: p.Ser2321=; no amino-acid change (serine 2321 retained).
Molecular consequence: synonymous variant.
Genome position (GRCh38, 1-based): chr4:122,262,964, T>C. VCF-style: chr4-122262964-T-C. GRCh37 (hg19) VCF-style: chr4-123184119-T-C.
Other names: c.6963T>C, p.Ser2321= (NM_015312.4).
Identifiers: ClinVar variation 3045236 (VCV003045236.3), dbSNP rs111881808, ClinGen allele CA3066913.